The following is an entry in ClinVar:

ClinVar aggregate classification (germline): Uncertain significance. Review status: criteria provided, multiple submitters, no conflicts (2 of 4 stars). 2 submissions from 2 submitters: Uncertain significance (2). Last evaluated 2024-11-05.

Conditions:
Severe combined immunodeficiency due to DCLRE1C deficiency (RS-SCID). Also called: SCID, AUTOSOMAL RECESSIVE, T CELL-NEGATIVE, B CELL-NEGATIVE, NK CELL-POSITIVE, WITH SENSITIVITY TO IONIZING RADIATION. Identifiers: Orphanet 275, MedGen C1865371, MONDO:0011225, OMIM 602450.
Inborn genetic diseases. Identifiers: MedGen C0950123, MeSH D030342.

Allele frequency attached by ClinVar (database versions not stated): TOPMed below 0.00001.
gnomAD v4.1: 2 of 1,613,438 alleles (0.00012%); highest among the groups gnomAD compares: African/African-American, 0.0013%; no homozygotes.

Submissions (2):

Labcorp Genetics (formerly Invitae), Labcorp
Classification: Uncertain significance for Athabaskan severe combined immunodeficiency. Last evaluated: 2024-11-05. Review status: criteria provided, single submitter. Criteria: Invitae Variant Classification Sherloc (09022015). Collection method: clinical testing. Allele origin: germline.
Comment: This sequence change replaces alanine, which is neutral and non-polar, with serine, which is neutral and polar, at codon 314 of the DCLRE1C protein (p.Ala314Ser). This variant is not present in population databases (gnomAD no frequency). This variant has not been reported in the literature in individuals affected with DCLRE1C-related conditions. ClinVar contains an entry for this variant (Variation ID: 2114230). Invitae Evidence Modeling of protein sequence and biophysical properties (such as structural, functional, and spatial information, amino acid conservation, physicochemical variation, residue mobility, and thermodynamic stability) has been performed for this missense variant. However, the output from this modeling did not meet the statistical confidence thresholds required to predict the impact of this variant on DCLRE1C protein function. In summary, the available evidence is currently insufficient to determine the role of this variant in disease. Therefore, it has been classified as a Variant of Uncertain Significance.

Ambry Genetics
Classification: Uncertain significance for Inborn genetic diseases. Last evaluated: 2021-07-20. Review status: criteria provided, single submitter. Criteria: Ambry Variant Classification Scheme 2023. Collection method: clinical testing. Allele origin: germline.

NM_001033855.3(DCLRE1C):c.940G>T (p.Ala314Ser)

Gene: DCLRE1C (DNA cross-link repair 1C; minus strand). Cytogenetic location: 10p13.
Variant type: single nucleotide variant.
Coding change: c.940G>T on transcript NM_001033855.3 (MANE Select); coding-DNA position 940, G replaced by T.
Protein change: p.Ala314Ser; replaces alanine 314 with serine.
Molecular consequence: missense variant. On other transcripts: non-coding transcript variant (3).
Genome position (GRCh38, 1-based): chr10:14,926,875, C>A on the plus strand (G>T on the coding strand, the complement: DCLRE1C is on the minus strand). VCF-style: chr10-14926875-C-A. GRCh37 (hg19) VCF-style: chr10-14968874-C-A.
Other names: c.580G>T, p.Ala194Ser (NM_001033857.3, NM_001033858.3, NM_001289077.2 and 2 more transcripts); c.595G>T, p.Ala199Ser (NM_001289076.2, NM_001289078.2, NM_001350966.2 and 1 more transcripts); c.940G>T, p.Ala314Ser (NM_001350965.2); short protein forms A194S, A199S, A314S.
Identifiers: ClinVar variation 2114230 (VCV002114230.4), dbSNP rs771666297, ClinGen allele CA376055748.